The following is an entry in ClinVar:

ClinVar aggregate classification (germline): Uncertain significance (1 of 4 stars; one submission).

Conditions:
Inborn genetic diseases. Identifiers: MedGen C0950123, MeSH D030342.

Allele frequency attached by ClinVar (database versions not stated): gnomAD exomes 0.00001; gnomAD 0.00005; TOPMed 0.00006.
gnomAD v4.1: 21 of 1,555,820 alleles (0.0013%); highest among the groups gnomAD compares: African/African-American, 0.016%; no homozygotes.

Submission:

Ambry Genetics
Classification: Uncertain significance for Inborn genetic diseases. Last evaluated: 2020-10-30. Review status: criteria provided, single submitter. Criteria: Ambry Variant Classification Scheme 2023. Collection method: clinical testing. Allele origin: germline.
Comment: The c.640G>A (p.E214K) alteration is located in exon 5 (coding exon 5) of the MAN1B1 gene. This alteration results from a G to A substitution at nucleotide position 640, causing the glutamic acid (E) at amino acid position 214 to be replaced by a lysine (K). Based on data from the Genome Aggregation Database (gnomAD) database, the MAN1B1 c.640G>A alteration was observed in 0.0015% (3/193,974) of total alleles studied, with a frequency of 0.01% (2/17872) in the African subpopulation. This amino acid position is well conserved in available vertebrate species. The in silico prediction for the p.E214K alteration is inconclusive. Based on insufficient or conflicting evidence, the clinical significance of this alteration remains unclear.

NM_016219.5(MAN1B1):c.640G>A (p.Glu214Lys)

Gene: MAN1B1 (mannosidase alpha class 1B member 1; plus strand). Cytogenetic location: 9q34.3.
Variant type: single nucleotide variant.
Coding change: c.640G>A on transcript NM_016219.5 (MANE Select); coding-DNA position 640, G replaced by A.
Protein change: p.Glu214Lys; replaces glutamic acid 214 with lysine.
Molecular consequence: missense variant. On other transcripts: non-coding transcript variant (2).
Genome position (GRCh38, 1-based): chr9:137,097,847, G>A. VCF-style: chr9-137097847-G-A. GRCh37 (hg19) VCF-style: chr9-139992299-G-A.
Other names: c.532G>A, p.Glu178Lys (NM_007230.1); short protein forms E178K, E214K.
Identifiers: ClinVar variation 2397864 (VCV002397864.2), dbSNP rs1004898312, ClinGen allele CA201688647.